The following is an entry in ClinVar:

ClinVar aggregate classification (germline): Uncertain significance (1 of 4 stars; one submission).

Conditions:
Immunodeficiency 23 (IMD23). Also called: IMMUNODEFICIENCY WITH HYPER IgE AND COGNITIVE IMPAIRMENT; IMMUNODEFICIENCY-VASCULITIS-MYOCLONUS SYNDROME. Identifiers: Orphanet 443811, MedGen C4014371, MONDO:0014353, OMIM 615816.

Allele frequency attached by ClinVar (database versions not stated): gnomAD exomes below 0.00001.
gnomAD v4.1: 3 of 1,614,026 alleles (0.00019%); highest among the groups gnomAD compares: African/African-American, 0.0013%; no homozygotes.

Submission:

Labcorp Genetics (formerly Invitae), Labcorp
Classification: Uncertain significance for Immunodeficiency 23. Last evaluated: 2022-02-10. Review status: criteria provided, single submitter. Criteria: Invitae Variant Classification Sherloc (09022015). Collection method: clinical testing. Allele origin: germline.
Comment: This sequence change replaces alanine, which is neutral and non-polar, with valine, which is neutral and non-polar, at codon 112 of the PGM3 protein (p.Ala112Val). This variant is not present in population databases (gnomAD no frequency). This variant has not been reported in the literature in individuals affected with PGM3-related conditions. Algorithms developed to predict the effect of missense changes on protein structure and function (SIFT, PolyPhen-2, Align-GVGD) all suggest that this variant is likely to be tolerated. In summary, the available evidence is currently insufficient to determine the role of this variant in disease. Therefore, it has been classified as a Variant of Uncertain Significance.

NM_015599.3(PGM3):c.251C>T (p.Ala84Val)

Gene: PGM3 (phosphoglucomutase 3; minus strand). Cytogenetic location: 6q14.1.
Variant type: single nucleotide variant.
Coding change: c.251C>T on transcript NM_015599.3 (MANE Select); coding-DNA position 251, C replaced by T.
Protein change: p.Ala84Val; replaces alanine 84 with valine.
Molecular consequence: missense variant. On other transcripts: non-coding transcript variant (1).
Genome position (GRCh38, 1-based): chr6:83,188,752, G>A on the plus strand (C>T on the coding strand, the complement: PGM3 is on the minus strand). VCF-style: chr6-83188752-G-A. GRCh37 (hg19) VCF-style: chr6-83898471-G-A.
Other names: c.335C>T, p.Ala112Val (NM_001199917.2, NM_001367287.1); c.8C>T, p.Ala3Val (NM_001199918.2); c.251C>T, p.Ala84Val (NM_001199919.2, NM_001367286.1); short protein forms A3V, A112V, A84V.
Identifiers: ClinVar variation 1506946 (VCV001506946.5), dbSNP rs2128506463, ClinGen allele CA364852237.
Genomic context (GRCh38, chr6:83,188,752, plus strand): 5'-CTCTGCATATCTTGTTCCTCAGCATTTGCTAAACAGGTGGCATGTTCCTCCCAGGATGGT[G>A]CCAACATTTCACCCAAAGGATCAACCAATTTTACACCATTGTCTTCCTTAAAAGAAAAAC-3'
Protein context (NP_056414.1, residues 74-94): KLVDPLGEML[Ala84Val]PSWEEHATCL